The following is an entry in ClinVar:

ClinVar aggregate classification (germline): Benign. Review status: criteria provided, multiple submitters, no conflicts (2 of 4 stars). 3 submissions from 3 submitters: Benign (3). Last evaluated 2026-01-21.

Allele frequency attached by ClinVar (database versions not stated): TOPMed 0.15875; gnomAD 0.17480; 1000 Genomes Project 30x 0.17817; 1000 Genomes Project 0.18311; gnomAD exomes 0.20250; ExAC 0.39076.
gnomAD v4.1: 252,551 of 1,268,844 alleles (20%); highest among the groups gnomAD compares: South Asian, 29%; 25,836 homozygotes.

Submissions (3):

Women's Health and Genetics/Laboratory Corporation of America, LabCorp
Classification: Benign. Last evaluated: 2026-01-21. Review status: criteria provided, single submitter. Criteria: LabCorp Variant Classification Summary - May 2015. Collection method: clinical testing. Allele origin: germline.

Unidad de Genómica Garrahan, Hospital de Pediatría Garrahan
Classification: Benign. Last evaluated: 2024-01-24. Review status: criteria provided, single submitter. Criteria: ACMG Guidelines, 2015. Collection method: clinical testing. Allele origin: germline. Affected: no. Observed: 28 variant alleles.
Comment: This variant is classified as Benign based on local population frequency. This variant was detected in 29% of patients studied by a panel of primary immunodeficiencies. Number of patients: 28. Only high quality variants are reported.

Mayo Clinic Laboratories, Mayo Clinic
Classification: Benign. Last evaluated: 2022-09-06. Review status: criteria provided, single submitter. Criteria: ACMG Guidelines, 2015. Collection method: clinical testing. Allele origin: germline. Observed: 152 variant alleles.

NM_173491.4(LSM11):c.228G>A (p.Arg76=)

Genes: LSM11 (LSM11, U7 small nuclear RNA associated; plus strand), LOC129995145 (ATAC-STARR-seq lymphoblastoid silent region 16563; plus strand). Cytogenetic location: 5q33.3.
Variant type: single nucleotide variant.
Coding change: c.228G>A on transcript NM_173491.4 (MANE Select); coding-DNA position 228, G replaced by A.
Protein change: p.Arg76=; no amino-acid change (arginine 76 retained).
Molecular consequence: synonymous variant.
Genome position (GRCh38, 1-based): chr5:157,743,978, G>A. VCF-style: chr5-157743978-G-A. GRCh37 (hg19) VCF-style: chr5-157170986-G-A.
Other names: p.Arg76=.
Identifiers: ClinVar variation 2688257 (VCV002688257.4), dbSNP rs2279771, ClinGen allele CA3536661.